The following is an entry in ClinVar:

NM_005996.4(TBX3):c.988G>A (p.Ala330Thr)

Gene: TBX3 (T-box transcription factor 3; minus strand). Cytogenetic location: 12q24.21.
Variant type: single nucleotide variant.
Coding change: c.988G>A on transcript NM_005996.4 (MANE Select); coding-DNA position 988, G replaced by A.
Protein change: p.Ala330Thr; replaces alanine 330 with threonine.
Molecular consequence: missense variant.
Genome position (GRCh38, 1-based): chr12:114,676,364, C>T on the plus strand (G>A on the coding strand, the complement: TBX3 is on the minus strand). VCF-style: chr12-114676364-C-T. GRCh37 (hg19) VCF-style: chr12-115114169-C-T.
Other names: c.1048G>A, p.Ala350Thr (NM_016569.4); short protein forms A350T, A330T.
Identifiers: ClinVar variation 2968474 (VCV002968474.3), dbSNP rs773465537, ClinGen allele CA6810040.

ClinVar aggregate classification (germline): Uncertain significance (1 of 4 stars; one submission).

Conditions:
Ulnar-mammary syndrome (UMS). Also called: PALLISTER ULNAR-MAMMARY SYNDROME; Ulnar-mammary syndrome of Pallister; SCHINZEL SYNDROME. Identifiers: Orphanet 3138, MedGen C1866994, MONDO:0008411, OMIM 181450.

Allele frequency attached by ClinVar (database versions not stated): gnomAD 0.00001; gnomAD exomes 0.00001; TOPMed 0.00001; ExAC 0.00002.
gnomAD v4.1: 18 of 1,614,054 alleles (0.0011%); highest among the groups gnomAD compares: East Asian, 0.0022%; no homozygotes.

Submission:

Labcorp Genetics (formerly Invitae), Labcorp
Classification: Uncertain significance for Ulnar-mammary syndrome. Last evaluated: 2023-06-03. Review status: criteria provided, single submitter. Criteria: Invitae Variant Classification Sherloc (09022015). Collection method: clinical testing. Allele origin: germline.
Comment: An algorithm developed to predict the effect of missense changes on protein structure and function (PolyPhen-2) suggests that this variant is likely to be tolerated. This variant is present in population databases (rs773465537, gnomAD 0.003%). This sequence change replaces alanine, which is neutral and non-polar, with threonine, which is neutral and polar, at codon 330 of the TBX3 protein (p.Ala330Thr). This variant has not been reported in the literature in individuals affected with TBX3-related conditions. In summary, the available evidence is currently insufficient to determine the role of this variant in disease. Therefore, it has been classified as a Variant of Uncertain Significance.